The following is an entry in ClinVar:

NM_000350.3(ABCA4):c.673_704delinsTCTATC (p.Val225fs)

Gene: ABCA4 (ATP binding cassette subfamily A member 4; minus strand). Cytogenetic location: 1p22.1.
Variant type: Indel.
Coding change: c.673_704delinsTCTATC on transcript NM_000350.3 (MANE Select); coding-DNA positions 673 to 704, the reference bases replaced by TCTATC.
Protein change: p.Val225fs; shifts the reading frame from valine 225.
Molecular consequence: frameshift variant.
Genome position (GRCh38, 1-based): chr1:94,098,858-94,098,889, 32 bases replaced. GRCh37 (hg19): chr1:94,564,414-94,564,445.
Other names: c.673_704del32insTCTATC, p.Val225Serfs (NM_001425324.1); short protein forms V225fs.
Identifiers: ClinVar variation 1978469 (VCV001978469.4), dbSNP rs2523965817, ClinGen allele CA2580063331.
Genomic context (GRCh38, chr1:94,098,858, plus strand): 5'-CGGAAGAGCTTGAAGAAGTCCACGTTGGCATACAGAGTGTCTTCTATCCACTGTAGGGTG[CCCTGGGAGAGGGAGCACAGGGCATAGCGCAC>GATAGA]CGTCTTTGCCCCGCGTCTCTGGCTGAAGATGATGAAGCGCTCCAGGAGGGCCTCGCTGCA-3'

ClinVar aggregate classification (germline): Pathogenic (1 of 4 stars; one submission).

Submission:

Labcorp Genetics (formerly Invitae), Labcorp
Classification: Pathogenic. Last evaluated: 2021-12-29. Review status: criteria provided, single submitter. Criteria: Invitae Variant Classification Sherloc (09022015). Collection method: clinical testing. Allele origin: germline.
Comment: This variant is not present in population databases (gnomAD no frequency). This sequence change creates a premature translational stop signal (p.Val225Serfs*46) in the ABCA4 gene. It is expected to result in an absent or disrupted protein product. Loss-of-function variants in ABCA4 are known to be pathogenic (PMID: 10958761, 24938718, 25312043, 26780318). For these reasons, this variant has been classified as Pathogenic. This variant has not been reported in the literature in individuals affected with ABCA4-related conditions.

Literature cited by the submitters: PubMed 10958761; PubMed 24938718; PubMed 25312043; PubMed 26780318.